The following is an entry in ClinVar:

ClinVar aggregate classification (germline): Benign/Likely benign. Review status: criteria provided, multiple submitters, no conflicts (2 of 4 stars). 3 submissions from 3 submitters: Benign (1); Likely benign (2). Last evaluated 2025-10-15.

gnomAD v4.1: 681 of 1,613,898 alleles (0.042%); highest among the groups gnomAD compares: Non-Finnish European, 0.055%; 1 homozygote.

Submissions (3):

Women's Health and Genetics/Laboratory Corporation of America, LabCorp
Classification: Benign. Last evaluated: 2025-10-15. Review status: criteria provided, single submitter. Criteria: LabCorp Variant Classification Summary - May 2015. Collection method: clinical testing. Allele origin: germline.

CeGaT Center for Human Genetics Tuebingen
Classification: Likely benign. Last evaluated: 2025-10-01. Review status: criteria provided, single submitter. Criteria: CeGaT Center For Human Genetics Tuebingen Variant Classification Criteria Version 2. Collection method: clinical testing. Allele origin: germline. Affected: yes. Observed: 1 variant allele.
Comment: GBF1: BP4, BP7

Mayo Clinic Laboratories, Mayo Clinic
Classification: Likely benign. Last evaluated: 2025-02-03. Review status: criteria provided, single submitter. Criteria: ACMG Guidelines, 2015. Collection method: clinical testing. Allele origin: germline. Observed: 1 variant allele.
Comment: BS2, BP4, BP7

NM_001377137.1(GBF1):c.5502G>A (p.Ala1834=)

Gene: GBF1 (golgi brefeldin A resistant guanine nucleotide exchange factor 1; plus strand). Cytogenetic location: 10q24.32.
Variant type: single nucleotide variant.
Coding change: c.5502G>A on transcript NM_001377137.1 (MANE Select); coding-DNA position 5502, G replaced by A.
Protein change: p.Ala1834=; no amino-acid change (alanine 1834 retained).
Molecular consequence: synonymous variant. On other transcripts: non-coding transcript variant (5).
Genome position (GRCh38, 1-based): chr10:102,382,255, G>A. VCF-style: chr10-102382255-G-A. GRCh37 (hg19) VCF-style: chr10-104142012-G-A.
Other names: p.Ala1833=; c.5490G>A, p.Ala1830= (NM_001199378.2, NM_001391923.1); c.5487G>A, p.Ala1829= (NM_001199379.2, NM_001391924.1); c.5451G>A, p.Ala1817= (NM_001377138.1); c.5205G>A, p.Ala1735= (NM_001377139.1, NM_001391930.1); c.5193G>A, p.Ala1731= (NM_001377140.1); c.5499G>A, p.Ala1833= (NM_001377141.1, NM_004193.3); c.5586G>A, p.Ala1862= (NM_001391922.1); and 8 more.
Identifiers: ClinVar variation 4533768 (VCV004533768.8).
Genomic context (GRCh38, chr10:102,382,255, plus strand): 5'-GGCCTCCCCACTGCAGGTGGGCGTGCCACCTATGACTCTGCCCATCATCCTCAACCCTGC[G>A]CTCATCGAGGCCACCTCACCAGTGCCCCTCCTGGCCACACCCCGCCCCACAGATCCCATA-3'
Protein context (NP_001364066.1, residues 1824-1844): PMTLPIILNP[Ala1834=]LIEATSPVPL